The following is an entry in ClinVar:

ClinVar aggregate classification (germline): Benign/Likely benign. Review status: criteria provided, multiple submitters, no conflicts (2 of 4 stars). 3 submissions from 3 submitters: Benign (2); Likely benign (1). Last evaluated 2026-01-01.

Conditions:
Hypoplastic enamel-onycholysis-hypohidrosis syndrome (TNS). Also called: ECTODERMAL DYSPLASIA 3, TOOTH/NAIL TYPE; NAIL DYSPLASIA WITH HYPODONTIA; Tooth-and-Nail Syndrome; ECTODERMAL DYSPLASIA 3, WITKOP TYPE; WITKOP SYNDROME. Identifiers: Orphanet 2228, MedGen C0406735, MONDO:0008582, OMIM 189500.

Allele frequency attached by ClinVar (database versions not stated): gnomAD 0.00007 and 0.00025; TOPMed 0.00009; gnomAD exomes 0.00036 and 0.00097; 1000 Genomes Project 30x 0.00219; 1000 Genomes Project 0.00220; ExAC 0.00462.

Submissions (3):

CeGaT Center for Human Genetics Tuebingen
Classification: Likely benign. Last evaluated: 2026-01-01. Review status: criteria provided, single submitter. Criteria: CeGaT Center For Human Genetics Tuebingen Variant Classification Criteria Version 2. Collection method: clinical testing. Allele origin: germline. Affected: yes. Observed: 1 variant allele.
Comment: MSX1: PP3, BS2

Labcorp Genetics (formerly Invitae), Labcorp
Classification: Benign for Hypoplastic enamel-onycholysis-hypohidrosis syndrome. Last evaluated: 2023-11-06. Review status: criteria provided, single submitter. Criteria: Invitae Variant Classification Sherloc (09022015). Collection method: clinical testing. Allele origin: germline.

Mendelics
Classification: Benign for Hypoplastic enamel-onycholysis-hypohidrosis syndrome. Last evaluated: 2019-05-28. Review status: criteria provided, single submitter. Criteria: Mendelics Assertion Criteria 2017. Collection method: clinical testing. Allele origin: unknown.

NM_002448.3(MSX1):c.127A>C (p.Met43Leu)

Genes: MSX1 (msh homeobox 1; plus strand), LOC129992137 (ATAC-STARR-seq lymphoblastoid silent region 15219; plus strand). Cytogenetic location: 4p16.2.
Variant type: single nucleotide variant.
Coding change: c.127A>C on transcript NM_002448.3 (MANE Select); coding-DNA position 127, A replaced by C.
Protein change: p.Met43Leu; replaces methionine 43 with leucine.
Molecular consequence: missense variant.
Genome position (GRCh38, 1-based): chr4:4,860,026, A>C. VCF-style: chr4-4860026-A-C. GRCh37 (hg19) VCF-style: chr4-4861753-A-C.
Other names: short protein forms M43L.
Identifiers: ClinVar variation 461595 (VCV000461595.17), dbSNP rs565664559, ClinGen allele CA2832925.
Genomic context (GRCh38, chr4:4,860,026, plus strand): 5'-AAGCCGGCGGGGGGAGGCGCGGGCCAGGCCCCCAGCGCCGCCGCGGCCACGGCAGCCGCC[A>C]TGGGCGCGGACGAGGAGGGGGCCAAGCCCAAAGTGTCCCCTTCGCTCCTGCCCTTCAGCG-3'
Protein context (NP_002439.2, residues 33-53): PSAAAATAAA[Met43Leu]GADEEGAKPK